The following is an entry in ClinVar:

ClinVar aggregate classification (germline): Conflicting classifications of pathogenicity. Review status: criteria provided, conflicting classifications (1 of 4 stars). 2 submissions from 2 submitters: Uncertain significance (1); Likely benign (1). Last evaluated 2025-08-11.

Conditions:
Inborn genetic diseases. Identifiers: MedGen C0950123, MeSH D030342.
Baller-Gerold syndrome (BGS). Also called: CRANIOSYNOSTOSIS WITH RADIAL DEFECTS. Identifiers: Orphanet 1225, MedGen C0265308, MONDO:0009039, OMIM 218600.

Allele frequency attached by ClinVar (database versions not stated): gnomAD exomes 0.00002 and 0.00003; ExAC 0.00005; gnomAD 0.00005; TOPMed 0.00006; ESP Exome Variant Server 0.00016.

Submissions (2):

Labcorp Genetics (formerly Invitae), Labcorp
Classification: Uncertain significance for Baller-Gerold syndrome. Last evaluated: 2025-08-11. Review status: criteria provided, single submitter. Criteria: Invitae Variant Classification Sherloc (09022015). Collection method: clinical testing. Allele origin: germline.
Comment: This sequence change replaces glutamic acid, which is acidic and polar, with lysine, which is basic and polar, at codon 260 of the RECQL4 protein (p.Glu260Lys). This variant is present in population databases (rs370919817, gnomAD 0.01%). This variant has not been reported in the literature in individuals affected with RECQL4-related conditions. ClinVar contains an entry for this variant (Variation ID: 239782). Invitae Evidence Modeling of protein sequence and biophysical properties (such as structural, functional, and spatial information, amino acid conservation, physicochemical variation, residue mobility, and thermodynamic stability) indicates that this missense variant is not expected to disrupt RECQL4 protein function with a negative predictive value of 80%. In summary, the available evidence is currently insufficient to determine the role of this variant in disease. Therefore, it has been classified as a Variant of Uncertain Significance.

Ambry Genetics
Classification: Likely benign for Inborn genetic diseases. Last evaluated: 2024-11-21. Review status: criteria provided, single submitter. Criteria: Ambry Variant Classification Scheme 2023. Collection method: clinical testing. Allele origin: germline.

NM_004260.4(RECQL4):c.778G>A (p.Glu260Lys)

Gene: RECQL4 (RecQ like helicase 4; minus strand). Cytogenetic location: 8q24.3.
Variant type: single nucleotide variant.
Coding change: c.778G>A on transcript NM_004260.4 (MANE Select); coding-DNA position 778, G replaced by A.
Protein change: p.Glu260Lys; replaces glutamic acid 260 with lysine.
Molecular consequence: missense variant.
Genome position (GRCh38, 1-based): chr8:144,516,341, C>T on the plus strand (G>A on the coding strand, the complement: RECQL4 is on the minus strand). VCF-style: chr8-144516341-C-T. GRCh37 (hg19) VCF-style: chr8-145741725-C-T.
Other names: short protein forms E260K.
Identifiers: ClinVar variation 239782 (VCV000239782.10), dbSNP rs370919817, ClinGen allele CA4949184.